The following is an entry in ClinVar:

NM_001005373.4(LRSAM1):c.1589G>A (p.Arg530Gln)

Gene: LRSAM1 (leucine rich repeat and sterile alpha motif containing 1; plus strand). Cytogenetic location: 9q33.3.
Variant type: single nucleotide variant.
Coding change: c.1589G>A on transcript NM_001005373.4 (MANE Select); coding-DNA position 1589, G replaced by A.
Protein change: p.Arg530Gln; replaces arginine 530 with glutamine.
Molecular consequence: missense variant. On other transcripts: non-coding transcript variant (2).
Genome position (GRCh38, 1-based): chr9:127,492,887, G>A. VCF-style: chr9-127492887-G-A. GRCh37 (hg19) VCF-style: chr9-130255166-G-A.
Other names: p.Arg530Gln; c.1589G>A, p.Arg530Gln (NM_001005374.4, NM_001384142.1, NM_001384143.1 and 1 more transcripts); c.1508G>A, p.Arg503Gln (NM_001190723.3); c.800G>A, p.Arg267Gln (NM_001384144.1); short protein forms R530Q, R503Q, R267Q.
Identifiers: ClinVar variation 392156 (VCV000392156.13), dbSNP rs760321710, ClinGen allele CA5247057.
Genomic context (GRCh38, chr9:127,492,887, plus strand): 5'-CCCTCAGCTCCCTGCTCCAGCAGCTGCTCAAAGAGAAGCAGCAGCGAGAGGAAGAGCTCC[G>A]GGAAATCCTGGTATGTGTTTGGCTTCTGTGCTCAGCATCACACAGGCATTTGCTTTTCTT-3'
Protein context (NP_001005373.1, residues 520-540): KEKQQREEEL[Arg530Gln]EILTELEAKS

ClinVar aggregate classification (germline): Uncertain significance. Review status: criteria provided, multiple submitters, no conflicts (2 of 4 stars). 4 submissions from 4 submitters: Uncertain significance (4). Last evaluated 2026-07-15.

Conditions:
LRSAM1-related disorder. Also called: LRSAM1-related condition.
Charcot-Marie-Tooth disease axonal type 2P. Also called: CHARCOT-MARIE-TOOTH NEUROPATHY, TYPE 2P; Charcot-Marie-Tooth Neuropathy Type 2G; CHARCOT-MARIE-TOOTH DISEASE, AXONAL, TYPE 2G; CMT 2G. Identifiers: Orphanet 300319, Orphanet 99941, MedGen C3280797, MONDO:0013753, OMIM 614436.

Allele frequency attached by ClinVar (database versions not stated): gnomAD 0.00001; gnomAD exomes 0.00001 and 0.00002; ExAC 0.00002; TOPMed 0.00003.
gnomAD v4.1: 19 of 1,613,830 alleles (0.0012%); highest among the groups gnomAD compares: Admixed American, 0.0067%; no homozygotes.

Submissions (4):

PreventionGenetics, part of Exact Sciences
Classification: Uncertain significance for LRSAM1-related condition. Last evaluated: 2026-07-15. Review status: criteria provided, single submitter. Criteria: ACMG Guidelines, 2015. Collection method: clinical testing. Allele origin: germline.
Comment: The LRSAM1 c.1589G>A variant is predicted to result in the amino acid substitution p.Arg530Gln. This variant has been reported as a variant of uncertain significance in an individual with Charcot-Marie-Tooth disease (Supp. Table 2, Uchôa Cavalcanti et al. 2021. PubMed ID: 34190362). This variant is reported in 0.0065% of alleles in individuals of South Asian descent in gnomAD. At this time, the clinical significance of this variant is uncertain due to the absence of conclusive functional and genetic evidence.

Labcorp Genetics (formerly Invitae), Labcorp
Classification: Uncertain significance for Charcot-Marie-Tooth disease axonal type 2P. Last evaluated: 2024-10-22. Review status: criteria provided, single submitter. Criteria: Invitae Variant Classification Sherloc (09022015). Collection method: clinical testing. Allele origin: germline.
Comment: This sequence change replaces arginine, which is basic and polar, with glutamine, which is neutral and polar, at codon 530 of the LRSAM1 protein (p.Arg530Gln). This variant is present in population databases (rs760321710, gnomAD 0.007%). This missense change has been observed in individual(s) with Charcot-Marie-Tooth disease (PMID: 34190362). ClinVar contains an entry for this variant (Variation ID: 392156). Invitae Evidence Modeling of protein sequence and biophysical properties (such as structural, functional, and spatial information, amino acid conservation, physicochemical variation, residue mobility, and thermodynamic stability) indicates that this missense variant is not expected to disrupt LRSAM1 protein function with a negative predictive value of 80%. This variant disrupts the p.Arg530 amino acid residue in LRSAM1. Other variant(s) that disrupt this residue have been observed in individuals with LRSAM1-related conditions (PMID: 34190362, 35234685), which suggests that this may be a clinically significant amino acid residue. In summary, the available evidence is currently insufficient to determine the role of this variant in disease. Therefore, it has been classified as a Variant of Uncertain Significance.

Mayo Clinic Laboratories, Mayo Clinic
Classification: Uncertain significance. Last evaluated: 2022-07-01. Review status: criteria provided, single submitter. Criteria: ACMG Guidelines, 2015. Collection method: clinical testing. Allele origin: germline. Observed: 1 variant allele.
Comment: BP4

GeneDx
Classification: Uncertain significance. Last evaluated: 2016-12-29. Review status: criteria provided, single submitter. Criteria: GeneDx Variant Classification (06012015). Collection method: clinical testing. Allele origin: germline. Affected: yes.
Comment: A variant of uncertain significance has been identified in the LRSAM1 gene. The R530Q variant has not been published as a pathogenic variant, nor has it been reported as a benign variant to our knowledge. The R530Q variant is not observed at a significant frequency in large population cohorts (Lek et al., 2016; 1000 Genomes Consortium et al., 2015; Exome Variant Server). The R530Q variant is a semi-conservative amino acid substitution, which may impact secondary protein structure as these residues differ in some properties. However, this substitution occurs at a position that is not conserved, and in silico analysis is inconsistent in its predictions as to whether or not the variant is damaging to the protein structure/function. Additionally, missense variants in the LRSAM1 gene have not been reported in association with neuropathy (Stenson et al., 2014). Therefore, based on the currently available information, it is unclear whether this variant is a pathogenic variant or a rare benign variant.

Literature cited by the submitters: PubMed 34190362 (cited by Labcorp Genetics (formerly Invitae), Labcorp); PubMed 35234685 (cited by Labcorp Genetics (formerly Invitae), Labcorp).